The following is an entry in ClinVar:

ClinVar aggregate classification (germline): Uncertain significance (1 of 4 stars; one submission).

Submission:

Labcorp Genetics (formerly Invitae), Labcorp
Classification: Uncertain significance. Last evaluated: 2022-06-01. Review status: criteria provided, single submitter. Criteria: Invitae Variant Classification Sherloc (09022015). Collection method: clinical testing. Allele origin: germline.
Comment: This variant is not present in population databases (gnomAD no frequency). This sequence change replaces valine, which is neutral and non-polar, with leucine, which is neutral and non-polar, at codon 19 of the SLC13A3 protein (p.Val19Leu). In summary, the available evidence is currently insufficient to determine the role of this variant in disease. Therefore, it has been classified as a Variant of Uncertain Significance. Algorithms developed to predict the effect of missense changes on protein structure and function output the following: SIFT: "Tolerated"; PolyPhen-2: "Probably Damaging"; Align-GVGD: "Class C0". The leucine amino acid residue is found in multiple mammalian species, which suggests that this missense change does not adversely affect protein function. ClinVar contains an entry for this variant (Variation ID: 1425641). This variant has not been reported in the literature in individuals affected with SLC13A3-related conditions.

NM_022829.6(SLC13A3):c.55G>C (p.Val19Leu)

Gene: SLC13A3 (solute carrier family 13 member 3; minus strand). Cytogenetic location: 20q13.12.
Variant type: single nucleotide variant.
Coding change: c.55G>C on transcript NM_022829.6 (MANE Select); coding-DNA position 55, G replaced by C.
Protein change: p.Val19Leu; replaces valine 19 with leucine.
Molecular consequence: missense variant. On other transcripts: 5 prime UTR variant (1), intron variant (2).
Genome position (GRCh38, 1-based): chr20:46,651,367, C>G on the plus strand (G>C on the coding strand, the complement: SLC13A3 is on the minus strand). VCF-style: chr20-46651367-C-G. GRCh37 (hg19) VCF-style: chr20-45280006-C-G.
Other names: c.55G>C, p.Val19Leu (NM_001193339.2); c.-67G>C (NM_001193342.2); c.-31+18676G>C (NM_001193340.2, NM_001011554.3); short protein forms V19L.
Identifiers: ClinVar variation 1425641 (VCV001425641.6), dbSNP rs1003257290, ClinGen allele CA409264082.